The following is an entry in ClinVar:

NM_001367561.1(DOCK7):c.6212+5T>G

Gene: DOCK7 (dedicator of cytokinesis 7; minus strand). Cytogenetic location: 1p31.3.
Variant type: single nucleotide variant.
Coding change: c.6212+5T>G on transcript NM_001367561.1 (MANE Select); 5 bases into the intron after coding-DNA position 6212, T replaced by G.
Molecular consequence: intron variant.
Genome position (GRCh38, 1-based): chr1:62,473,977, A>C on the plus strand (T>G on the coding strand, the complement: DOCK7 is on the minus strand). VCF-style: chr1-62473977-A-C. GRCh37 (hg19) VCF-style: chr1-62939648-A-C.
Other names: c.6086+5T>G (NM_001272001.2); c.6092+5T>G (NM_001272000.2); c.6119+5T>G (NM_033407.4); c.6179+5T>G (NM_001271999.2); c.6185+5T>G (NM_001330614.2).
Identifiers: ClinVar variation 846070 (VCV000846070.10), dbSNP rs1167483338, ClinGen allele CA523527816.

ClinVar aggregate classification (germline): Uncertain significance (1 of 4 stars; one submission).

Conditions:
Developmental and epileptic encephalopathy, 23 (DEE23). Also called: Epileptic encephalopathy, early infantile, 23. Identifiers: Orphanet 411986, MedGen C4014492, MONDO:0014371, OMIM 615859.

Allele frequency attached by ClinVar (database versions not stated): gnomAD exomes below 0.00001; gnomAD 0.00001; TOPMed 0.00001.
gnomAD v4.1: 2 of 1,611,272 alleles (0.00012%); highest among the groups gnomAD compares: Admixed American, 0.0017%; no homozygotes.

Submission:

Labcorp Genetics (formerly Invitae), Labcorp
Classification: Uncertain significance for Developmental and epileptic encephalopathy, 23. Last evaluated: 2022-02-04. Review status: criteria provided, single submitter. Criteria: Invitae Variant Classification Sherloc (09022015). Collection method: clinical testing. Allele origin: germline.
Comment: ClinVar contains an entry for this variant (Variation ID: 846070). This sequence change falls in intron 47 of the DOCK7 gene. It does not directly change the encoded amino acid sequence of the DOCK7 protein. It affects a nucleotide within the consensus splice site. This variant is present in population databases (no rsID available, gnomAD 0.004%). This variant has not been reported in the literature in individuals affected with DOCK7-related conditions. Variants that disrupt the consensus splice site are a relatively common cause of aberrant splicing (PMID: 17576681, 9536098). Algorithms developed to predict the effect of sequence changes on RNA splicing suggest that this variant may create or strengthen a splice site. In summary, the available evidence is currently insufficient to determine the role of this variant in disease. Therefore, it has been classified as a Variant of Uncertain Significance.

Literature cited by the submitters: PubMed 17576681; PubMed 9536098.